The following is an entry in ClinVar:

ClinVar aggregate classification (germline): Benign (1 of 4 stars; one submission).

Conditions:
PPP1R9B-related disorder. Also called: PPP1R9B-related condition.

Allele frequency attached by ClinVar (database versions not stated): ESP Exome Variant Server 0.98593; 1000 Genomes Project 1.00000; ExAC 1.00000.

Submission:

PreventionGenetics, part of Exact Sciences
Classification: Benign for PPP1R9B-related condition. Last evaluated: 2020-04-16. Review status: criteria provided, single submitter. Criteria: ACMG Guidelines, 2015. Collection method: clinical testing. Allele origin: germline.
Comment: This variant is classified as benign based on ACMG/AMP sequence variant interpretation guidelines (Richards et al. 2015 PMID: 25741868, with internal and published modifications).

NM_032595.5(PPP1R9B):c.472_473dup (p.Ala159fs)

Genes: PPP1R9B (protein phosphatase 1 regulatory subunit 9B; minus strand), LOC130061148 (ATAC-STARR-seq lymphoblastoid silent region 8684; plus strand). Cytogenetic location: 17q21.33.
Variant type: Duplication.
Coding change: c.472_473dup on transcript NM_032595.5 (MANE Select); coding-DNA positions 472 to 473, 2 bases duplicated (GC; older notation c.472_473dupGC).
Protein change: p.Ala159fs; shifts the reading frame from alanine 159.
Molecular consequence: frameshift variant.
Genome position (GRCh38, 1-based): chr17:50,150,041-50,150,042, GC duplicated on the plus strand (GC on the coding strand, the reverse complement: PPP1R9B is on the minus strand). VCF-style (leftmost placement, unchanged base first): chr17-50150040-G-GGC.
Other names: short protein forms A159fs.
Identifiers: ClinVar variation 3035826 (VCV003035826.1), dbSNP rs10669851, ClinGen allele CA400202340.
Genomic context (GRCh38, chr17:50,150,040, plus strand): 5'-CAGGCCGGCGCGCTCCTGCCTCAGCAGCCGCCGCGCCGCGGCCTCCTTGTCGCCGCCTGC[G>GGC]GCCGCTGGGGCGCTCCGTTCGAACAGCTTCCGCGTCTCCTGCAGCCGGGACGGCGGGTGC-3'